The following is an entry in ClinVar:

ClinVar aggregate classification (germline): Benign/Likely benign. Review status: criteria provided, multiple submitters, no conflicts (2 of 4 stars). 5 submissions from 5 submitters: Benign (1); Likely benign (4). Last evaluated 2025-02-03.

Conditions:
Hereditary cancer-predisposing syndrome. Also called: Tumor predisposition; Neoplastic Syndromes, Hereditary; Hereditary neoplastic syndrome; Hereditary Cancer Syndrome. Identifiers: Orphanet 140162, MedGen C0027672, MeSH D009386, MONDO:0015356.
Oligodontia-cancer predisposition syndrome. Also called: TOOTH AGENESIS-COLORECTAL CANCER SYNDROME. Identifiers: Orphanet 300576, MedGen C1837750, MONDO:0012075, OMIM 608615. Disease mechanism: loss of function.

Allele frequency attached by ClinVar (database versions not stated): gnomAD exomes 0.00002 and 0.00004; ExAC 0.00003; gnomAD 0.00003 and 0.00004; TOPMed 0.00003.
gnomAD v4.1: 62 of 1,611,214 alleles (0.0038%); highest among the groups gnomAD compares: Non-Finnish European, 0.0051%; no homozygotes.

Submissions (5):

Labcorp Genetics (formerly Invitae), Labcorp
Classification: Likely benign for Oligodontia-cancer predisposition syndrome. Last evaluated: 2025-02-03. Review status: criteria provided, single submitter. Criteria: Invitae Variant Classification Sherloc (09022015). Collection method: clinical testing. Allele origin: germline.

Myriad Genetics, Inc.
Classification: Benign for Oligodontia-cancer predisposition syndrome. Last evaluated: 2024-07-09. Review status: criteria provided, single submitter. Criteria: Myriad Autosomal Dominant, Autosomal Recessive and X-Linked Classification Criteria (2023). Collection method: clinical testing. Allele origin: unknown.
Comment: This variant is considered benign. This variant is a silent/synonymous amino acid change and it is not expected to impact splicing.

Quest Diagnostics Nichols Institute San Juan Capistrano
Classification: Likely benign. Last evaluated: 2021-07-29. Review status: criteria provided, single submitter. Criteria: Quest Diagnostics criteria. Collection method: clinical testing. Allele origin: unknown.

Ambry Genetics
Classification: Likely benign for Hereditary cancer-predisposing syndrome. Last evaluated: 2019-11-07. Review status: criteria provided, single submitter. Criteria: Ambry Variant Classification Scheme 2023. Collection method: clinical testing. Allele origin: germline.

GeneDx
Classification: Likely benign. Last evaluated: 2017-05-31. Review status: criteria provided, single submitter. Criteria: GeneDx Variant Classification (06012015). Collection method: clinical testing. Allele origin: germline. Affected: yes.
Comment: This variant is considered likely benign or benign based on one or more of the following criteria: it is a conservative change, it occurs at a poorly conserved position in the protein, it is predicted to be benign by multiple in silico algorithms, and/or has population frequency not consistent with disease.

NM_004655.4(AXIN2):c.2130C>A (p.Pro710=)

Gene: AXIN2 (axin 2; minus strand). Cytogenetic location: 17q24.1.
Variant type: single nucleotide variant.
Coding change: c.2130C>A on transcript NM_004655.4 (MANE Select); coding-DNA position 2130, C replaced by A.
Protein change: p.Pro710=; no amino-acid change (proline 710 retained).
Molecular consequence: synonymous variant.
Genome position (GRCh38, 1-based): chr17:65,536,331, G>T on the plus strand (C>A on the coding strand, the complement: AXIN2 is on the minus strand). VCF-style: chr17-65536331-G-T. GRCh37 (hg19) VCF-style: chr17-63532449-G-T.
Other names: c.1935C>A, p.Pro645= (NM_001363813.1); c.2130C>A (LRG_296t1).
Identifiers: ClinVar variation 415204 (VCV000415204.15), dbSNP rs760740780, ClinGen allele CA8718408.